The following is an entry in ClinVar:

NM_002691.4(POLD1):c.378_394del (p.Arg126_Ala127insTer)

Gene: POLD1 (DNA polymerase delta 1, catalytic subunit; plus strand). Cytogenetic location: 19q13.33.
Variant type: Deletion.
Coding change: c.378_394del on transcript NM_002691.4 (MANE Select); coding-DNA positions 378 to 394, 17 bases deleted (CGCCTTCGGGGTCACCG).
Protein change: p.Arg126_Ala127insTer.
Molecular consequence: frameshift variant. On other transcripts: non-coding transcript variant (1).
Genome position (GRCh38, 1-based): chr19:50,401,839-50,401,855, CGCCTTCGGGGTCACCG deleted; deleting any 17 consecutive bases within chr19:50,401,836-50,401,855 gives the same sequence; the c. name uses the placement nearest the transcript's 3' end. VCF-style (leftmost placement, unchanged base first): chr19-50401835-TCCGCGCCTTCGGGGTCA-T. GRCh37 (hg19) VCF-style: chr19-50905092-TCCGCGCCTTCGGGGTCA-T.
Other names: c.378_394del, p.Arg126_Ala127insTer (NM_001256849.1, NM_001308632.1).
Identifiers: ClinVar variation 3421982 (VCV003421982.1).

ClinVar aggregate classification (germline): Uncertain significance (1 of 4 stars; one submission).

Conditions:
Hereditary cancer-predisposing syndrome. Also called: Neoplastic Syndromes, Hereditary; Tumor predisposition; Hereditary Cancer Syndrome; Hereditary neoplastic syndrome. Identifiers: Orphanet 140162, MedGen C0027672, MeSH D009386, MONDO:0015356.

Submission:

Ambry Genetics
Classification: Uncertain significance for Hereditary cancer-predisposing syndrome. Last evaluated: 2024-11-08. Review status: criteria provided, single submitter. Criteria: Ambry Variant Classification Scheme 2023. Collection method: clinical testing. Allele origin: germline.
Comment: The c.378_394delCGCCTTCGGGGTCACCG variant, located in coding exon 3 of the POLD1 gene, results from a deletion of 17 nucleotides at nucleotide positions 378 to 394, causing a translational frameshift with a predicted alternate stop codon (p.A127*). This alteration is expected to result in loss of function by premature protein truncation or nonsense-mediated mRNA decay. However, loss of function of POLD1 has not been established as a mechanism of disease. Based on the available evidence, the clinical significance of this alteration remains unclear.